The following is an entry in ClinVar:

NM_001171.6(ABCC6):c.1315G>A (p.Val439Ile)

Gene: ABCC6 (ATP binding cassette subfamily C member 6; minus strand). Cytogenetic location: 16p13.11.
Variant type: single nucleotide variant.
Coding change: c.1315G>A on transcript NM_001171.6 (MANE Select); coding-DNA position 1315, G replaced by A.
Protein change: p.Val439Ile; replaces valine 439 with isoleucine.
Molecular consequence: missense variant. On other transcripts: non-coding transcript variant (1).
Genome position (GRCh38, 1-based): chr16:16,198,044, C>T on the plus strand (G>A on the coding strand, the complement: ABCC6 is on the minus strand). VCF-style: chr16-16198044-C-T. GRCh37 (hg19) VCF-style: chr16-16291901-C-T.
Other names: c.973G>A, p.Val325Ile (NM_001351800.1); short protein forms V325I, V439I.
Identifiers: ClinVar variation 1938629 (VCV001938629.4), dbSNP rs748770237, ClinGen allele CA394890198.

ClinVar aggregate classification (germline): Conflicting classifications of pathogenicity. Review status: criteria provided, conflicting classifications (1 of 4 stars). 3 submissions from 3 submitters: Uncertain significance (2); Likely benign (1). Last evaluated 2024-04-01.

Conditions:
Arterial calcification, generalized, of infancy, 2. Identifiers: Orphanet 51608, MedGen C3276161, MONDO:0013768, OMIM 614473.
Autosomal recessive inherited pseudoxanthoma elasticum (PXE). Identifiers: Orphanet 758, MedGen CN032334, MONDO:0009925, OMIM 264800.
Pseudoxanthoma elasticum, forme fruste. Also called: Pseudoxanthoma Elasticum, Incomplete; PSEUDOXANTHOMA ELASTICUM, HETEROZYGOUS. Identifiers: Orphanet 758, MedGen C1867450, MONDO:0008333, OMIM 177850.

Allele frequency attached by ClinVar (database versions not stated): gnomAD 0.00001.
gnomAD v4.1: 3 of 1,614,082 alleles (0.00019%); highest among the groups gnomAD compares: Admixed American, 0.0017%; no homozygotes.

Submissions (3):

Blueprint Genetics
Classification: Likely benign. Last evaluated: 2024-04-01. Review status: criteria provided, single submitter. Criteria: ACMG Guidelines, 2015. Collection method: clinical testing. Allele origin: germline.

Fulgent Genetics
Classification: Uncertain significance for Pseudoxanthoma elasticum, forme fruste; Autosomal recessive inherited pseudoxanthoma elasticum; Arterial calcification, generalized, of infancy, 2. Last evaluated: 2023-12-29. Review status: criteria provided, single submitter. Criteria: ACMG Guidelines, 2015. Collection method: clinical testing. Allele origin: germline.

Labcorp Genetics (formerly Invitae), Labcorp
Classification: Uncertain significance. Last evaluated: 2022-04-24. Review status: criteria provided, single submitter. Criteria: Invitae Variant Classification Sherloc (09022015). Collection method: clinical testing. Allele origin: germline.
Comment: This sequence change replaces valine, which is neutral and non-polar, with isoleucine, which is neutral and non-polar, at codon 439 of the ABCC6 protein (p.Val439Ile). This variant is present in population databases (no rsID available, gnomAD 0.003%). This variant has not been reported in the literature in individuals affected with ABCC6-related conditions. Advanced modeling of protein sequence and biophysical properties (such as structural, functional, and spatial information, amino acid conservation, physicochemical variation, residue mobility, and thermodynamic stability) performed at Invitae indicates that this missense variant is not expected to disrupt ABCC6 protein function. In summary, the available evidence is currently insufficient to determine the role of this variant in disease. Therefore, it has been classified as a Variant of Uncertain Significance.